The following is an entry in ClinVar:

NM_032043.3(BRIP1):c.2675T>C (p.Leu892Pro)

Gene: BRIP1 (BRCA1 interacting DNA helicase 1; minus strand). Cytogenetic location: 17q23.2.
Variant type: single nucleotide variant.
Coding change: c.2675T>C on transcript NM_032043.3 (MANE Select); coding-DNA position 2675, T replaced by C.
Protein change: p.Leu892Pro; replaces leucine 892 with proline.
Molecular consequence: missense variant.
Genome position (GRCh38, 1-based): chr17:61,686,066, A>G on the plus strand (T>C on the coding strand, the complement: BRIP1 is on the minus strand). VCF-style: chr17-61686066-A-G. GRCh37 (hg19) VCF-style: chr17-59763427-A-G.
Other names: short protein forms L892P.
Identifiers: ClinVar variation 5033401 (VCV005033401.1).
Genomic context (GRCh38, chr17:61,686,066, plus strand): 5'-GTCACTTCAAGTGTAGACTCATTGTCCTGTATATTGGTTCTGTCCTTTATGGATACATTA[A>G]GAACTTTTTGATGCTTTTTGGAAAATTCAGCCAAGGATTCCAGTGCACTTTCAAAGGTTG-3'
Protein context (NP_114432.2, residues 882-902): AEFSKKHQKV[Leu892Pro]NVSIKDRTNI

ClinVar aggregate classification (germline): Uncertain significance (1 of 4 stars; one submission).

Conditions:
Hereditary cancer-predisposing syndrome. Also called: Neoplastic Syndromes, Hereditary; Tumor predisposition; Hereditary neoplastic syndrome; Hereditary Cancer Syndrome. Identifiers: Orphanet 140162, MedGen C0027672, MeSH D009386, MONDO:0015356.

gnomAD v4.1: 2 of 1,614,002 alleles (0.00012%); highest among the groups gnomAD compares: Non-Finnish European, 0.00017%; no homozygotes.

Submission:

Ambry Genetics
Classification: Uncertain significance for Hereditary cancer-predisposing syndrome. Last evaluated: 2026-07-06. Review status: criteria provided, single submitter. Criteria: Ambry Variant Classification Scheme 2023. Collection method: clinical testing. Allele origin: germline.
Comment: The p.L892P variant (also known as c.2675T>C), located in coding exon 18 of the BRIP1 gene, results from a T to C substitution at nucleotide position 2675. The leucine at codon 892 is replaced by proline, an amino acid with similar properties. This amino acid position is conserved. In addition, this alteration is predicted to be tolerated by in silico analysis. Based on the available evidence, the clinical significance of this variant remains unclear.